The following is an entry in ClinVar:

ClinVar aggregate classification (germline): Uncertain significance (1 of 4 stars; one submission).

Submission:

Labcorp Genetics (formerly Invitae), Labcorp
Classification: Uncertain significance. Last evaluated: 2023-09-03. Review status: criteria provided, single submitter. Criteria: Invitae Variant Classification Sherloc (09022015). Collection method: clinical testing. Allele origin: germline.
Comment: An algorithm developed to predict the effect of missense changes on protein structure and function (PolyPhen-2) suggests that this variant is likely to be disruptive. This variant has not been reported in the literature in individuals affected with MSH3-related conditions. This sequence change replaces phenylalanine, which is neutral and non-polar, with isoleucine, which is neutral and non-polar, at codon 475 of the MSH3 protein (p.Phe475Ile). This variant is not present in population databases (gnomAD no frequency). In summary, the available evidence is currently insufficient to determine the role of this variant in disease. Therefore, it has been classified as a Variant of Uncertain Significance.

NM_002439.5(MSH3):c.1423T>A (p.Phe475Ile)

Gene: MSH3 (mutS homolog 3; plus strand). Cytogenetic location: 5q14.1.
Variant type: single nucleotide variant.
Coding change: c.1423T>A on transcript NM_002439.5 (MANE Select); coding-DNA position 1423, T replaced by A.
Protein change: p.Phe475Ile; replaces phenylalanine 475 with isoleucine.
Molecular consequence: missense variant.
Genome position (GRCh38, 1-based): chr5:80,725,535, T>A. VCF-style: chr5-80725535-T-A. GRCh37 (hg19) VCF-style: chr5-80021354-T-A.
Other names: short protein forms F475I.
Identifiers: ClinVar variation 2757682 (VCV002757682.3), dbSNP rs752802297, ClinGen allele CA360273645.
Genomic context (GRCh38, chr5:80,725,535, plus strand): 5'-GTCGAAAGGATGGATAACATTTATTTTGAATACAGCCATGCTTTCCAGGCAGTTACAGAG[T>A]TTTATGCAAAAGATACAGTTGACATCAAAGGTAAATATTTTCCCTGTATGTCCTCAAGTT-3'
Protein context (NP_002430.3, residues 465-485): YSHAFQAVTE[Phe475Ile]YAKDTVDIKG